The following is an entry in ClinVar:

NM_003801.4(GPAA1):c.392G>T (p.Gly131Val)

Gene: GPAA1 (glycosylphosphatidylinositol anchor attachment 1; plus strand). Cytogenetic location: 8q24.3.
Variant type: single nucleotide variant.
Coding change: c.392G>T on transcript NM_003801.4 (MANE Select); coding-DNA position 392, G replaced by T.
Protein change: p.Gly131Val; replaces glycine 131 with valine.
Molecular consequence: missense variant.
Genome position (GRCh38, 1-based): chr8:144,083,739, G>T. VCF-style: chr8-144083739-G-T. GRCh37 (hg19) VCF-style: chr8-145138642-G-T.
Other names: short protein forms G131V.
Identifiers: ClinVar variation 1956258 (VCV001956258.4), dbSNP rs1196866603, ClinGen allele CA372598627.

ClinVar aggregate classification (germline): Uncertain significance (1 of 4 stars; one submission).

Allele frequency attached by ClinVar (database versions not stated): gnomAD exomes below 0.00001; gnomAD 0.00001.

Submission:

Labcorp Genetics (formerly Invitae), Labcorp
Classification: Uncertain significance. Last evaluated: 2022-06-18. Review status: criteria provided, single submitter. Criteria: Invitae Variant Classification Sherloc (09022015). Collection method: clinical testing. Allele origin: germline.
Comment: This sequence change replaces glycine, which is neutral and non-polar, with valine, which is neutral and non-polar, at codon 131 of the GPAA1 protein (p.Gly131Val). This variant is not present in population databases (gnomAD no frequency). This variant has not been reported in the literature in individuals affected with GPAA1-related conditions. Algorithms developed to predict the effect of missense changes on protein structure and function are either unavailable or do not agree on the potential impact of this missense change (SIFT: "Deleterious"; PolyPhen-2: "Probably Damaging"; Align-GVGD: "Class C0"). In summary, the available evidence is currently insufficient to determine the role of this variant in disease. Therefore, it has been classified as a Variant of Uncertain Significance.